The following is an entry in ClinVar:

NM_000051.4(ATM):c.6515C>T (p.Thr2172Ile)

Genes: ATM (ATM serine/threonine kinase; plus strand), C11orf65 (chromosome 11 open reading frame 65; minus strand). Cytogenetic location: 11q22.3.
Variant type: single nucleotide variant.
Coding change: c.6515C>T on transcript NM_000051.4 (MANE Select); coding-DNA position 6515, C replaced by T.
Protein change: p.Thr2172Ile; replaces threonine 2172 with isoleucine.
Molecular consequence: missense variant. On other transcripts: intron variant (2).
Genome position (GRCh38, 1-based): chr11:108,321,363, C>T. VCF-style: chr11-108321363-C-T. GRCh37 (hg19) VCF-style: chr11-108192090-C-T.
Other names: c.6515C>T, p.Thr2172Ile (NM_001351834.2); c.641-12292G>A (NM_001330368.2); c.*39-12292G>A (NM_001351110.2); short protein forms T2172I.
Identifiers: ClinVar variation 1753979 (VCV001753979.2), dbSNP rs2136240737, ClinGen allele CA382554145.
Genomic context (GRCh38, chr11:108,321,363, plus strand): 5'-TAAAAGAAGTGGAAGAGATGTGTAAGCGCAGCCTTGAGTCTGTGTATTCGCTCTATCCCA[C>T]ACTTAGCAGGTTGCAGGCCATTGGAGAGCTGGAAAGCATTGGGGAGCTTTTCTCAAGGTA-3'
Protein context (NP_000042.3, residues 2162-2182): SLESVYSLYP[Thr2172Ile]LSRLQAIGEL

ClinVar aggregate classification (germline): Uncertain significance (1 of 4 stars; one submission).

Conditions:
Hereditary cancer-predisposing syndrome. Also called: Hereditary neoplastic syndrome; Neoplastic Syndromes, Hereditary; Tumor predisposition; Hereditary Cancer Syndrome. Identifiers: Orphanet 140162, MedGen C0027672, MeSH D009386, MONDO:0015356.

Submission:

Ambry Genetics
Classification: Uncertain significance for Hereditary cancer-predisposing syndrome. Last evaluated: 2021-03-27. Review status: criteria provided, single submitter. Criteria: Ambry Variant Classification Scheme 2023. Collection method: clinical testing. Allele origin: germline.
Comment: The p.T2172I variant (also known as c.6515C>T), located in coding exon 44 of the ATM gene, results from a C to T substitution at nucleotide position 6515. The threonine at codon 2172 is replaced by isoleucine, an amino acid with similar properties. This amino acid position is not well conserved in available vertebrate species. In addition, this alteration is predicted to be tolerated by in silico analysis. Since supporting evidence is limited at this time, the clinical significance of this alteration remains unclear.